The following is an entry in ClinVar:

ClinVar aggregate classification (germline): Uncertain significance (1 of 4 stars; one submission).

Conditions:
Inborn genetic diseases. Identifiers: MedGen C0950123, MeSH D030342.

Allele frequency attached by ClinVar (database versions not stated): gnomAD exomes 0.00001.
gnomAD v4.1: 7 of 1,541,012 alleles (0.00045%); highest among the groups gnomAD compares: Non-Finnish European, 0.00061%; no homozygotes.

Submission:

Ambry Genetics
Classification: Uncertain significance for Inborn genetic diseases. Last evaluated: 2024-05-18. Review status: criteria provided, single submitter. Criteria: Ambry Variant Classification Scheme 2023. Collection method: clinical testing. Allele origin: germline.
Comment: The p.R345C variant (also known as c.1033C>T), located in coding exon 11 of the ERCC2 gene, results from a C to T substitution at nucleotide position 1033. The arginine at codon 345 is replaced by cysteine, an amino acid with highly dissimilar properties. This amino acid position is conserved. In addition, this alteration is predicted to be deleterious by in silico analysis. Since supporting evidence is limited at this time, the clinical significance of this alteration remains unclear.

NM_000400.4(ERCC2):c.1033C>T (p.Arg345Cys)

Gene: ERCC2 (ERCC excision repair 2, TFIIH core complex helicase subunit; minus strand). Cytogenetic location: 19q13.32.
Variant type: single nucleotide variant.
Coding change: c.1033C>T on transcript NM_000400.4 (MANE Select); coding-DNA position 1033, C replaced by T.
Protein change: p.Arg345Cys; replaces arginine 345 with cysteine.
Molecular consequence: missense variant.
Genome position (GRCh38, 1-based): chr19:45,363,828, G>A on the plus strand (C>T on the coding strand, the complement: ERCC2 is on the minus strand). VCF-style: chr19-45363828-G-A. GRCh37 (hg19) VCF-style: chr19-45867086-G-A.
Other names: c.961C>T, p.Arg321Cys (NM_001130867.2); short protein forms R321C, R345C.
Identifiers: ClinVar variation 1771877 (VCV001771877.3), dbSNP rs1201076330, ClinGen allele CA406372642.
Genomic context (GRCh38, chr19:45,363,828, plus strand): 5'-CGCGCTGGGCCAGGCCGCTCAGGAAGGCGGGCGGGCTCTCCTGCACCACATGCTGCACAC[G>A]CAGCCGCCACTTCACGTACTCCAGCAGCCGCCTCAGGAAGCCCAGGAAATGCTCGGCCGT-3'
Protein context (NP_000391.1, residues 335-355): RLLEYVKWRL[Arg345Cys]VQHVVQESPP